The following is an entry in ClinVar:

NM_000478.6(ALPL):c.217_219del (p.Leu73del)

Gene: ALPL (alkaline phosphatase, biomineralization associated; plus strand). Cytogenetic location: 1p36.12.
Variant type: Deletion.
Coding change: c.217_219del on transcript NM_000478.6 (MANE Select); coding-DNA positions 217 to 219, 3 bases deleted (CTC; older notation c.217_219delCTC).
Protein change: p.Leu73del; deletes leucine 73.
Molecular consequence: inframe deletion. On other transcripts: intron variant (1).
Genome position (GRCh38, 1-based): chr1:21,561,132-21,561,134, CTC deleted; deleting any 3 consecutive bases within chr1:21,561,130-21,561,134 gives the same sequence; the c. name uses the placement nearest the transcript's 3' end. VCF-style (leftmost placement, unchanged base first): chr1-21561129-ATCC-A. GRCh37 (hg19) VCF-style: chr1-21887622-ATCC-A.
Other names: c.52_54del, p.Leu18del (NM_001127501.4); c.217_219del, p.Leu73del (NM_001369803.2, NM_001369804.2, NM_001369805.2); c.66+387_66+389del (NM_001177520.3); short protein forms L18del, L73del.
Identifiers: ClinVar variation 1060122 (VCV001060122.10), dbSNP rs2148152384, ClinGen allele CA2499214447.

ClinVar aggregate classification (germline): Uncertain significance. Review status: criteria provided, multiple submitters, no conflicts (2 of 4 stars). 2 submissions from 2 submitters: Uncertain significance (2). Last evaluated 2025-03-11.

Conditions:
Hypophosphataemia or rickets.

Submissions (2):

Labcorp Genetics (formerly Invitae), Labcorp
Classification: Uncertain significance. Last evaluated: 2025-03-11. Review status: criteria provided, single submitter. Criteria: Invitae Variant Classification Sherloc (09022015). Collection method: clinical testing. Allele origin: germline.
Comment: This variant, c.217_219del, results in the deletion of 1 amino acid(s) of the ALPL protein (p.Leu73del), but otherwise preserves the integrity of the reading frame. This variant is not present in population databases (gnomAD no frequency). This variant has been observed in individual(s) with autosomal dominant hypophosphatasia (https//, internal data). ClinVar contains an entry for this variant (Variation ID: 1060122). Experimental studies and prediction algorithms are not available or were not evaluated, and the functional significance of this variant is currently unknown. In summary, the available evidence is currently insufficient to determine the role of this variant in disease. Therefore, it has been classified as a Variant of Uncertain Significance.

Cambridge Genomics Laboratory, East Genomic Laboratory Hub, NHS Genomic Medicine Service
Classification: Uncertain significance for Hypophosphataemia or rickets. Last evaluated: 2024-07-15. Review status: criteria provided, single submitter. Criteria: ACGS Best Practice Guidelines for Variant Classification in Rare Disease 2020. Collection method: clinical testing. Allele origin: germline. Affected: yes.
Comment: PS4_Moderate,PM2,PM4_Supporting,PP4